The following is an entry in ClinVar:

NM_012156.2(EPB41L1):c.1300+4T>G

Gene: EPB41L1 (erythrocyte membrane protein band 4.1 like 1; plus strand). Cytogenetic location: 20q11.23.
Variant type: single nucleotide variant.
Coding change: c.1300+4T>G on transcript NM_012156.2 (MANE Select); 4 bases into the intron after coding-DNA position 1300, T replaced by G.
Molecular consequence: intron variant.
Genome position (GRCh38, 1-based): chr20:36,190,801, T>G. VCF-style: chr20-36190801-T-G. GRCh37 (hg19) VCF-style: chr20-34778723-T-G.
Other names: c.1114+4T>G (NM_001258331.2, NM_001424407.1, NM_001424406.1 and 19 more transcripts); c.1207+4T>G (NM_001258330.1); c.1300+4T>G (NM_001258329.1, NM_001433605.1, NM_001424397.1 and 14 more transcripts).
Identifiers: ClinVar variation 4886184 (VCV004886184.2).

ClinVar aggregate classification (germline): Uncertain significance (1 of 4 stars; one submission).

Submission:

Dasa
Classification: Uncertain significance. Last evaluated: 2025-02-13. Review status: criteria provided, single submitter. Criteria: DASA Assertion Criteria. Collection method: clinical testing. Allele origin: germline.
Comment: NM_012156.2(EPB41L1):c.1300+4T>G is a splice-region variant. This variant is absent from population databases. Computational prediction algorithms are consistent with a benign effect. The currently available literature and clinical evidence are not sufficient to establish a definitive association between this variant and the reported condition. Therefore, this variant is classified as a variant of uncertain significance.